The following is an entry in ClinVar:

NM_004855.5(PIGB):c.695G>A (p.Arg232His)

Gene: PIGB (phosphatidylinositol glycan anchor biosynthesis class B; plus strand). Cytogenetic location: 15q21.3.
Variant type: single nucleotide variant.
Coding change: c.695G>A on transcript NM_004855.5 (MANE Select); coding-DNA position 695, G replaced by A.
Protein change: p.Arg232His; replaces arginine 232 with histidine.
Molecular consequence: missense variant.
Genome position (GRCh38, 1-based): chr15:55,333,908, G>A. VCF-style: chr15-55333908-G-A. GRCh37 (hg19) VCF-style: chr15-55626106-G-A.
Other names: short protein forms R232H.
Identifiers: ClinVar variation 689517 (VCV000689517.13), dbSNP rs758196959, ClinGen allele CA7573907.

ClinVar aggregate classification (germline): Conflicting classifications of pathogenicity. Review status: criteria provided, conflicting classifications (1 of 4 stars). 5 submissions from 5 submitters: Pathogenic (1); Likely pathogenic (2); Uncertain significance (1). 1 of the submissions does not count toward it. Last evaluated 2025-10-12.

Conditions:
Developmental and epileptic encephalopathy, 80. Also called: EPILEPTIC ENCEPHALOPATHY, EARLY INFANTILE, 80; GLYCOSYLPHOSPHATIDYLINOSITOL BIOSYNTHESIS DEFECT 20. Identifiers: MedGen C5231418, MONDO:0032822, OMIM 618580.

Allele frequency attached by ClinVar (database versions not stated): gnomAD 0.00002 and 0.00003; gnomAD exomes 0.00003 and 0.00005; TOPMed 0.00003; ExAC 0.00005.
gnomAD v4.1: 41 of 1,606,562 alleles (0.0026%); highest among the groups gnomAD compares: Middle Eastern, 0.017%; no homozygotes.

Submissions (5):

Labcorp Genetics (formerly Invitae), Labcorp
Classification: Pathogenic. Last evaluated: 2025-10-12. Review status: criteria provided, single submitter. Criteria: Invitae Variant Classification Sherloc (09022015). Collection method: clinical testing. Allele origin: germline.
Comment: This sequence change replaces arginine, which is basic and polar, with histidine, which is basic and polar, at codon 232 of the PIGB protein (p.Arg232His). This variant is present in population databases (rs758196959, gnomAD 0.01%). This missense change has been observed in individual(s) with clinical features of autosomal recessive early infantile epileptic encephalopathy 80 (PMID: 31256876). In at least one individual the data is consistent with being in trans (on the opposite chromosome) from a pathogenic variant. It has also been observed to segregate with disease in related individuals. ClinVar contains an entry for this variant (Variation ID: 689517). Invitae Evidence Modeling of protein sequence and biophysical properties (such as structural, functional, and spatial information, amino acid conservation, physicochemical variation, residue mobility, and thermodynamic stability) indicates that this missense variant is expected to disrupt PIGB protein function with a positive predictive value of 80%. Experimental studies have shown that this missense change affects PIGB function (PMID: 31256876). For these reasons, this variant has been classified as Pathogenic.

Women's Health and Genetics/Laboratory Corporation of America, LabCorp
Classification: Likely pathogenic for Developmental and epileptic encephalopathy, 80. Last evaluated: 2025-05-30. Review status: criteria provided, single submitter. Criteria: LabCorp Variant Classification Summary - May 2015. Collection method: clinical testing. Allele origin: germline.
Comment: Variant summary: PIGB c.695G>A (p.Arg232His) results in a non-conservative amino acid change in the encoded protein sequence. Algorithms developed to predict the effect of missense changes on protein structure and function all suggest that this variant is likely to be disruptive. The variant allele was found at a frequency of 4.5e-05 in 243624 control chromosomes. This frequency is not significantly higher than estimated for a pathogenic variant in PIGB causing Developmental And Epileptic Encephalopathy, 80, allowing no conclusion about variant significance. c.695G>A has been observed in compound heterozyguos individuals in a family affected with Developmental And Epileptic Encephalopathy, 80 (Murakami_2019). These data indicate that the variant may be associated with disease. At least one publication reports experimental evidence evaluating an impact on protein function. The most pronounced variant effect results in almost null protein activity in an in vitro cellular assay (Murakami_2019). The following publication have been ascertained in the context of this evaluation (PMID: 31256876). ClinVar contains an entry for this variant (Variation ID: 689517). Based on the evidence outlined above, the variant was classified as likely pathogenic.

Blueprint Genetics
Classification: Uncertain significance. Last evaluated: 2024-01-19. Review status: criteria provided, single submitter. Criteria: ACMG Guidelines, 2015. Collection method: clinical testing. Allele origin: germline.

GeneDx
Classification: Likely pathogenic. Last evaluated: 2022-10-24. Review status: criteria provided, single submitter. Criteria: GeneDx Variant Classification Process June 2021. Collection method: clinical testing. Allele origin: germline. Affected: yes.
Comment: Identified as a heterozygous germline variant in a patient with paroxysomal nocturnal hemoglobinuria (PNH) in published literature; a somatic event resulted in this variant being homozygous in the PNH clone (Langemeijer et al., 2020); Published functional studies demonstrate a damaging effect with near null activity of PIGB (Murakami et al., 2019); In silico analysis supports that this missense variant has a deleterious effect on protein structure/function; This variant is associated with the following publications: (PMID: 33216889, 31256876)

OMIM
Classification: Pathogenic for DEVELOPMENTAL AND EPILEPTIC ENCEPHALOPATHY 80. Last evaluated: 2026-08-17. Review status: no assertion criteria provided. Collection method: literature only. Allele origin: germline. Not counted in ClinVar's aggregate classification.

Literature cited by the submitters: PubMed 31256876 (cited by 3 submitters).